The following is an entry in ClinVar:

ClinVar aggregate classification (germline): Uncertain significance (1 of 4 stars; one submission).

Conditions:
PKHD1-related disorder. Also called: PKHD1-related condition.

gnomAD v4.1: 2 of 1,613,674 alleles (0.00012%); highest among the groups gnomAD compares: South Asian, 0.0011%; no homozygotes.

Submission:

PreventionGenetics, part of Exact Sciences
Classification: Uncertain significance for PKHD1-related condition. Last evaluated: 2026-05-05. Review status: criteria provided, single submitter. Criteria: ACMG Guidelines, 2015. Collection method: clinical testing. Allele origin: germline.
Comment: The PKHD1 c.10271T>C variant is predicted to result in the amino acid substitution p.Ile3424Thr. To our knowledge, this variant has not been reported in the literature or in a large population database (gnomAD), indicating this variant is rare. At this time, the clinical significance of this variant is uncertain due to the absence of conclusive functional and genetic evidence.

NM_138694.4(PKHD1):c.10271T>C (p.Ile3424Thr)

Gene: PKHD1 (PKHD1 ciliary IPT domain containing fibrocystin/polyductin; minus strand). Cytogenetic location: 6p12.3.
Variant type: single nucleotide variant.
Coding change: c.10271T>C on transcript NM_138694.4 (MANE Select); coding-DNA position 10271, T replaced by C.
Protein change: p.Ile3424Thr; replaces isoleucine 3424 with threonine.
Molecular consequence: missense variant.
Genome position (GRCh38, 1-based): chr6:51,659,855, A>G on the plus strand (T>C on the coding strand, the complement: PKHD1 is on the minus strand). VCF-style: chr6-51659855-A-G. GRCh37 (hg19) VCF-style: chr6-51524653-A-G.
Other names: short protein forms I3424T.
Identifiers: ClinVar variation 4994093 (VCV004994093.1).